The following is an entry in ClinVar:

ClinVar aggregate classification (germline): Pathogenic (1 of 4 stars; one submission).

Conditions:
MHC class II deficiency. Also called: BLS, TYPE II; Bare lymphocyte syndrome 2. Identifiers: Orphanet 572, MedGen C5447452, MONDO:0008855.

Submission:

Labcorp Genetics (formerly Invitae), Labcorp
Classification: Pathogenic for MHC class II deficiency. Last evaluated: 2020-12-18. Review status: criteria provided, single submitter. Criteria: Invitae Variant Classification Sherloc (09022015). Collection method: clinical testing. Allele origin: germline.
Comment: This sequence change creates a premature translational stop signal (p.Gln827*) in the CIITA gene. It is expected to result in an absent or disrupted protein product. Loss-of-function variants in CIITA are known to be pathogenic (PMID: 8402893, 9099848, 26271388). This variant is not present in population databases (ExAC no frequency). This variant has not been reported in the literature in individuals with CIITA-related conditions. For these reasons, this variant has been classified as Pathogenic.

Literature cited by the submitters: PubMed 8402893; PubMed 9099848; PubMed 26271388.

NM_000246.4(CIITA):c.2479C>T (p.Gln827Ter)

Gene: CIITA (class II major histocompatibility complex transactivator; plus strand). Cytogenetic location: 16p13.13.
Variant type: single nucleotide variant.
Coding change: c.2479C>T on transcript NM_000246.4 (MANE Select); coding-DNA position 2479, C replaced by T.
Protein change: p.Gln827Ter; replaces glutamine 827 with a stop codon.
Molecular consequence: nonsense. On other transcripts: intron variant (1).
Genome position (GRCh38, 1-based): chr16:10,907,971, C>T. VCF-style: chr16-10907971-C-T. GRCh37 (hg19) VCF-style: chr16-11001828-C-T.
Other names: c.2482C>T, p.Gln828Ter (NM_001286402.1, NM_001379332.1); c.2335C>T, p.Gln779Ter (NM_001379330.1); c.2332C>T, p.Gln778Ter (NM_001379331.1); c.2479C>T, p.Gln827Ter (NM_001379333.1); c.2410C>T, p.Gln804Ter (NM_001379334.1); c.860-1012C>T (NM_001286403.2); short protein forms Q778*, Q827*, Q804*, Q779*, Q828*.
Identifiers: ClinVar variation 1454206 (VCV001454206.6), dbSNP rs2144743127, ClinGen allele CA394733713.
Genomic context (GRCh38, chr16:10,907,971, plus strand): 5'-CTGGAGCTGCTGCACTGCGCCCACGAGGCCGAGGAGGCTGGAATTTGGCAGCACGTGGTA[C>T]AGGAGCTCCCCGGCCGCCTCTCTTTTCTGGGCACCCGCCTCACGCCTCCTGATGCACATG-3'